The following is an entry in ClinVar:

ClinVar aggregate classification (germline): Pathogenic (1 of 4 stars; one submission).

Conditions:
CHARGE syndrome (CHARGE). Also called: Hittner Hirsch Kreh syndrome; CHARGE ASSOCIATION--COLOBOMA, HEART ANOMALY, CHOANAL ATRESIA, RETARDATION, GENITAL AND EAR ANOMALIES; Coloboma, heart anomaly, choanal atresia, retardation, genital and ear anomalies; CHARGE association; Hall-Hittner syndrome. Identifiers: Orphanet 138, MedGen C0265354, MONDO:0008965.

Submission:

Labcorp Genetics (formerly Invitae), Labcorp
Classification: Pathogenic for CHARGE syndrome. Last evaluated: 2025-02-19. Review status: criteria provided, single submitter. Criteria: Invitae Variant Classification Sherloc (09022015). Collection method: clinical testing. Allele origin: germline.
Comment: This sequence change creates a premature translational stop signal (p.Gly25*) in the CHD7 gene. It is expected to result in an absent or disrupted protein product. Loss-of-function variants in CHD7 are known to be pathogenic (PMID: 22461308, 25077900). This variant is not present in population databases (gnomAD no frequency). This variant has not been reported in the literature in individuals affected with CHD7-related conditions. For these reasons, this variant has been classified as Pathogenic.

Literature cited by the submitters: PubMed 22461308; PubMed 25077900.

NM_017780.4(CHD7):c.73G>T (p.Gly25Ter)

Gene: CHD7 (chromodomain helicase DNA binding protein 7; plus strand). Cytogenetic location: 8q12.2.
Variant type: single nucleotide variant.
Coding change: c.73G>T on transcript NM_017780.4 (MANE Select); coding-DNA position 73, G replaced by T.
Protein change: p.Gly25Ter; replaces glycine 25 with a stop codon.
Molecular consequence: nonsense.
Genome position (GRCh38, 1-based): chr8:60,741,505, G>T. VCF-style: chr8-60741505-G-T. GRCh37 (hg19) VCF-style: chr8-61654064-G-T.
Other names: c.73G>T, p.Gly25Ter (NM_001316690.1); short protein forms G25*.
Identifiers: ClinVar variation 4713416 (VCV004713416.1).